The following is an entry in ClinVar:

ClinVar aggregate classification (germline): Conflicting classifications of pathogenicity. Review status: criteria provided, conflicting classifications (1 of 4 stars). 2 submissions from 2 submitters: Uncertain significance (1); Likely benign (1). Last evaluated 2018-01-18.

Conditions:
Inborn genetic diseases. Identifiers: MedGen C0950123, MeSH D030342.

Allele frequency attached by ClinVar (database versions not stated): ExAC 0.00001; gnomAD 0.00001; gnomAD exomes 0.00001; TOPMed 0.00001.
gnomAD v4.1: 5 of 1,614,016 alleles (0.00031%); highest among the groups gnomAD compares: Non-Finnish European, 0.00042%; no homozygotes.

Submissions (2):

Ambry Genetics
Classification: Uncertain significance for Inborn genetic diseases. Last evaluated: 2018-01-18. Review status: criteria provided, single submitter. Criteria: Ambry Variant Classification Scheme 2023. Collection method: clinical testing. Allele origin: germline.
Comment: The p.V851A variant (also known as c.2552T>C), located in coding exon 17 of the SPTAN1 gene, results from a T to C substitution at nucleotide position 2552. The valine at codon 851 is replaced by alanine, an amino acid with similar properties. This amino acid position is well conserved in available vertebrate species. In addition, this alteration is predicted to be tolerated by in silico analysis. Since supporting evidence is limited at this time, the clinical significance of this alteration remains unclear.

GeneDx
Classification: Likely benign. Last evaluated: 2017-09-06. Review status: criteria provided, single submitter. Criteria: GeneDx Variant Classification (06012015). Collection method: clinical testing. Allele origin: germline. Affected: yes.
Comment: This variant is considered likely benign or benign based on one or more of the following criteria: it is a conservative change, it occurs at a poorly conserved position in the protein, it is predicted to be benign by multiple in silico algorithms, and/or has population frequency not consistent with disease.

NM_001130438.3(SPTAN1):c.2552T>C (p.Val851Ala)

Gene: SPTAN1 (spectrin alpha, non-erythrocytic 1; plus strand). Cytogenetic location: 9q34.11.
Variant type: single nucleotide variant.
Coding change: c.2552T>C on transcript NM_001130438.3 (MANE Select); coding-DNA position 2552, T replaced by C.
Protein change: p.Val851Ala; replaces valine 851 with alanine.
Molecular consequence: missense variant.
Genome position (GRCh38, 1-based): chr9:128,584,835, T>C. VCF-style: chr9-128584835-T-C. GRCh37 (hg19) VCF-style: chr9-131347114-T-C.
Other names: c.2552T>C, p.Val851Ala (NM_001195532.2, NM_001363759.2, NM_001363765.2 and 1 more transcripts); short protein forms V851A.
Identifiers: ClinVar variation 512000 (VCV000512000.3), dbSNP rs748110014, ClinGen allele CA5264661.